The following is an entry in ClinVar:

ClinVar aggregate classification (germline): Uncertain significance. Review status: criteria provided, multiple submitters, no conflicts (2 of 4 stars). 2 submissions from 2 submitters: Uncertain significance (2). Last evaluated 2023-05-08.

Conditions:
Progressive myoclonic epilepsy. Also called: Myoclonus epilepsy; Familial progressive myoclonic epilepsy; Myoclonic Epilepsies, Progressive; Progressive myoclonus epilepsy. Identifiers: Orphanet 308, Orphanet 98261, MedGen C0751778, MONDO:0020074.

Allele frequency attached by ClinVar (database versions not stated): gnomAD exomes 0.00005; ExAC 0.00016.

Submissions (2):

Blueprint Genetics
Classification: Uncertain significance. Last evaluated: 2023-05-08. Review status: criteria provided, single submitter. Criteria: ACMG Guidelines, 2015. Collection method: clinical testing. Allele origin: germline.

Labcorp Genetics (formerly Invitae), Labcorp
Classification: Uncertain significance for Progressive myoclonic epilepsy. Last evaluated: 2020-02-21. Review status: criteria provided, single submitter. Criteria: Invitae Variant Classification Sherloc (09022015). Collection method: clinical testing. Allele origin: germline.
Comment: This sequence change replaces threonine with methionine at codon 9 of the CSTB protein (p.Thr9Met). The threonine residue is weakly conserved and there is a moderate physicochemical difference between threonine and methionine. While this variant is present in population databases (rs778785343), the frequency information is unreliable, as metrics indicate poor data quality at this position in the ExAC database. This variant has not been reported in the literature in individuals with CSTB-related conditions. Algorithms developed to predict the effect of missense changes on protein structure and function are either unavailable or do not agree on the potential impact of this missense change (SIFT: "Tolerated"; PolyPhen-2: "Probably Damaging"; Align-GVGD: "Class C0"). In summary, the available evidence is currently insufficient to determine the role of this variant in disease. Therefore, it has been classified as a Variant of Uncertain Significance.

NM_000100.4(CSTB):c.26C>T (p.Thr9Met)

Genes: CSTB (cystatin B; minus strand), LOC130066788 (ATAC-STARR-seq lymphoblastoid silent region 13368; plus strand). Cytogenetic location: 21q22.3.
Variant type: single nucleotide variant.
Coding change: c.26C>T on transcript NM_000100.4 (MANE Select); coding-DNA position 26, C replaced by T.
Protein change: p.Thr9Met; replaces threonine 9 with methionine.
Molecular consequence: missense variant.
Genome position (GRCh38, 1-based): chr21:43,776,244, G>A on the plus strand (C>T on the coding strand, the complement: CSTB is on the minus strand). VCF-style: chr21-43776244-G-A. GRCh37 (hg19) VCF-style: chr21-45196125-G-A.
Other names: short protein forms T9M.
Identifiers: ClinVar variation 999402 (VCV000999402.10), dbSNP rs778785343, ClinGen allele CA10048950.